The following is an entry in ClinVar:

NM_016938.5(EFEMP2):c.706C>T (p.Arg236Trp)

Gene: EFEMP2 (EGF containing fibulin extracellular matrix protein 2; minus strand). Cytogenetic location: 11q13.1.
Variant type: single nucleotide variant.
Coding change: c.706C>T on transcript NM_016938.5 (MANE Select); coding-DNA position 706, C replaced by T.
Protein change: p.Arg236Trp; replaces arginine 236 with tryptophan.
Molecular consequence: missense variant. On other transcripts: non-coding transcript variant (1).
Genome position (GRCh38, 1-based): chr11:65,869,878, G>A on the plus strand (C>T on the coding strand, the complement: EFEMP2 is on the minus strand). VCF-style: chr11-65869878-G-A. GRCh37 (hg19) VCF-style: chr11-65637349-G-A.
Other names: short protein forms R236W.
Identifiers: ClinVar variation 1756988 (VCV001756988.2), dbSNP rs768601120, ClinGen allele CA6110554.

ClinVar aggregate classification (germline): Uncertain significance (1 of 4 stars; one submission).

Conditions:
Cardiovascular phenotype. Identifiers: MedGen CN230736.

Allele frequency attached by ClinVar (database versions not stated): gnomAD 0.00001; gnomAD exomes 0.00001; ExAC 0.00002.
gnomAD v4.1: 19 of 1,613,930 alleles (0.0012%); highest among the groups gnomAD compares: East Asian, 0.0067%; no homozygotes.

Submission:

Ambry Genetics
Classification: Uncertain significance for Cardiovascular phenotype. Last evaluated: 2022-04-09. Review status: criteria provided, single submitter. Criteria: Ambry Variant Classification Scheme 2023. Collection method: clinical testing. Allele origin: germline.
Comment: The p.R236W variant (also known as c.706C>T), located in coding exon 6 of the EFEMP2 gene, results from a C to T substitution at nucleotide position 706. The arginine at codon 236 is replaced by tryptophan, an amino acid with dissimilar properties. This amino acid position is conserved. In addition, the in silico prediction for this alteration is inconclusive. Since supporting evidence is limited at this time, the clinical significance of this alteration remains unclear.